The following is an entry in ClinVar:

NM_001385641.1(SAMD11):c.2310_2311delinsTT (p.Val771Phe)

Gene: SAMD11 (sterile alpha motif domain containing 11; plus strand). Cytogenetic location: 1p36.33.
Variant type: Indel.
Coding change: c.2310_2311delinsTT on transcript NM_001385641.1 (MANE Select); coding-DNA positions 2310 to 2311, AG replaced by TT.
Protein change: p.Val771Phe; replaces valine 771 with phenylalanine.
Molecular consequence: missense variant.
Genome position (GRCh38, 1-based): chr1:943,928-943,929, AG replaced by TT. VCF-style: chr1-943928-AG-TT. GRCh37 (hg19) VCF-style: chr1-879308-AG-TT.
Other names: c.2313_2314delinsTT, p.Val772Phe (NM_001385640.1); c.1821_1822delinsTT, p.Val608Phe (NM_152486.4); short protein forms V608F, V771F, V772F.
Identifiers: ClinVar variation 1500808 (VCV001500808.6), dbSNP rs2100367899, ClinGen allele CA2573131979.

ClinVar aggregate classification (germline): Uncertain significance (1 of 4 stars; one submission).

Submission:

Labcorp Genetics (formerly Invitae), Labcorp
Classification: Uncertain significance. Last evaluated: 2021-09-11. Review status: criteria provided, single submitter. Criteria: Invitae Variant Classification Sherloc (09022015). Collection method: clinical testing. Allele origin: germline.
Comment: This sequence change replaces valine with phenylalanine at codon 608 of the SAMD11 protein (p.Val608Phe). The valine residue is highly conserved and there is a small physicochemical difference between valine and phenylalanine. The frequency data for this variant in the population databases is not available, as this variant may be reported as separate entries in the ExAC database. This variant has not been reported in the literature in individuals affected with SAMD11-related conditions. Experimental studies and prediction algorithms are not available or were not evaluated, and the functional significance of this variant is currently unknown. In summary, the available evidence is currently insufficient to determine the role of this variant in disease. Therefore, it has been classified as a Variant of Uncertain Significance.